The following is an entry in ClinVar:

NM_002617.4(PEX10):c.773G>A (p.Arg258His)

Gene: PEX10 (peroxisomal biogenesis factor 10; minus strand). Cytogenetic location: 1p36.32.
Variant type: single nucleotide variant.
Coding change: c.773G>A on transcript NM_002617.4 (MANE Select); coding-DNA position 773, G replaced by A.
Protein change: p.Arg258His; replaces arginine 258 with histidine.
Molecular consequence: missense variant. On other transcripts: non-coding transcript variant (1).
Genome position (GRCh38, 1-based): chr1:2,406,723, C>T on the plus strand (G>A on the coding strand, the complement: PEX10 is on the minus strand). VCF-style: chr1-2406723-C-T. GRCh37 (hg19) VCF-style: chr1-2338162-C-T.
Other names: c.833G>A (NM_153818.1); c.830G>A, p.Arg277His (NM_001374425.1); c.398G>A, p.Arg133His (NM_001374426.1); c.341G>A, p.Arg114His (NM_001374427.1); c.833G>A, p.Arg278His (NM_153818.2); short protein forms R278H, R258H, R114H, R133H, R277H.
Identifiers: ClinVar variation 290110 (VCV000290110.8), dbSNP rs773147980, ClinGen allele CA538038.

ClinVar aggregate classification (germline): Uncertain significance. Review status: criteria provided, multiple submitters, no conflicts (2 of 4 stars). 4 submissions from 4 submitters: Uncertain significance (4). Last evaluated 2026-09-11.

Conditions:
PEX10-related disorder. Also called: PEX10-related condition.
Inborn genetic diseases. Identifiers: MedGen C0950123, MeSH D030342.
Peroxisome biogenesis disorder, complementation group 7 (CG7). Also called: Peroxisome biogenesis disorder, complementation group B. Identifiers: MedGen C1864399.

Allele frequency attached by ClinVar (database versions not stated): gnomAD 0.00001 and 0.00004; TOPMed 0.00003; ExAC 0.00006; gnomAD exomes 0.00006.

Submissions (4):

PreventionGenetics, part of Exact Sciences
Classification: Uncertain significance for PEX10-related condition. Last evaluated: 2026-09-11. Review status: criteria provided, single submitter. Criteria: ACMG Guidelines, 2015. Collection method: clinical testing. Allele origin: germline.
Comment: The PEX10 c.833G>A variant is predicted to result in the amino acid substitution p.Arg278His. To our knowledge, this variant has not been reported in the literature. This variant is reported in 0.0086% of alleles in individuals of African descent in gnomAD. At this time, the clinical significance of this variant is uncertain due to the absence of conclusive functional and genetic evidence.

Labcorp Genetics (formerly Invitae), Labcorp
Classification: Uncertain significance for Peroxisome biogenesis disorder, complementation group 7. Last evaluated: 2022-10-13. Review status: criteria provided, single submitter. Criteria: Invitae Variant Classification Sherloc (09022015). Collection method: clinical testing. Allele origin: germline.
Comment: This sequence change replaces arginine, which is basic and polar, with histidine, which is basic and polar, at codon 278 of the PEX10 protein (p.Arg278His). This variant is present in population databases (rs773147980, gnomAD 0.01%). This variant has not been reported in the literature in individuals affected with PEX10-related conditions. ClinVar contains an entry for this variant (Variation ID: 290110). Algorithms developed to predict the effect of missense changes on protein structure and function output the following: SIFT: "Tolerated"; PolyPhen-2: "Benign"; Align-GVGD: "Class C0". The histidine amino acid residue is found in multiple mammalian species, which suggests that this missense change does not adversely affect protein function. In summary, the available evidence is currently insufficient to determine the role of this variant in disease. Therefore, it has been classified as a Variant of Uncertain Significance.

Ambry Genetics
Classification: Uncertain significance for Inborn genetic diseases. Last evaluated: 2021-04-01. Review status: criteria provided, single submitter. Criteria: Ambry Variant Classification Scheme 2023. Collection method: clinical testing. Allele origin: germline.

Eurofins Ntd Llc (ga)
Classification: Uncertain significance. Last evaluated: 2016-08-31. Review status: criteria provided, single submitter. Criteria: EGL Classification Definitions 2015. Collection method: clinical testing. Allele origin: germline. Observed: 1 variant allele, 1 heterozygote.